The following is an entry in ClinVar:

ClinVar aggregate classification (germline): Pathogenic/Likely pathogenic. Review status: criteria provided, multiple submitters, no conflicts (2 of 4 stars). 4 submissions from 4 submitters: Pathogenic (3); Likely pathogenic (1). Last evaluated 2025-10-19.

Conditions:
Familial adenomatous polyposis 4 (FAP4). Also called: MSH3-related attenuated familial adenomatous polyposis. Identifiers: Orphanet 480536, MedGen C4310719, MONDO:0044300, OMIM 617100.
Hereditary cancer-predisposing syndrome. Also called: Tumor predisposition; Hereditary neoplastic syndrome; Neoplastic Syndromes, Hereditary; Hereditary Cancer Syndrome. Identifiers: Orphanet 140162, MedGen C0027672, MeSH D009386, MONDO:0015356.
Endometrial carcinoma. Also called: Endometrial carcinoma, somatic. Identifiers: MedGen C0476089, MONDO:0002447, OMIM 608089, HP:0012114.

Submissions (4):

Labcorp Genetics (formerly Invitae), Labcorp
Classification: Pathogenic. Last evaluated: 2025-10-19. Review status: criteria provided, single submitter. Criteria: Invitae Variant Classification Sherloc (09022015). Collection method: clinical testing. Allele origin: germline.
Comment: This sequence change creates a premature translational stop signal (p.Ser759Cysfs*8) in the MSH3 gene. It is expected to result in an absent or disrupted protein product. Loss-of-function variants in MSH3 are known to be pathogenic (PMID: 27476653, 37402566). This variant is not present in population databases (gnomAD no frequency). This variant has not been reported in the literature in individuals affected with MSH3-related conditions. For these reasons, this variant has been classified as Pathogenic.

Ambry Genetics
Classification: Pathogenic for Hereditary cancer-predisposing syndrome. Last evaluated: 2025-09-02. Review status: criteria provided, single submitter. Criteria: Ambry Variant Classification Scheme 2023. Collection method: clinical testing. Allele origin: germline.
Comment: The c.2276_2277delCT pathogenic mutation, located in coding exon 16 of the MSH3 gene, results from a deletion of two nucleotides at nucleotide positions 2276 to 2277, causing a translational frameshift with a predicted alternate stop codon (p.S759Cfs*8). This variant is considered to be rare based on population cohorts in the Genome Aggregation Database (gnomAD). This alteration is expected to result in loss of function by premature protein truncation or nonsense-mediated mRNA decay. As such, this alteration is interpreted as a disease-causing mutation.

Myriad Genetics, Inc.
Classification: Pathogenic for Familial adenomatous polyposis 4. Last evaluated: 2023-08-30. Review status: criteria provided, single submitter. Criteria: Myriad Autosomal Dominant, Autosomal Recessive and X-Linked Classification Criteria (2023). Collection method: clinical testing. Allele origin: unknown.
Comment: This variant is considered pathogenic. This variant creates a frameshift predicted to result in premature protein truncation.

Baylor Genetics
Classification: Likely pathogenic for Endometrial carcinoma. Last evaluated: 2023-08-06. Review status: criteria provided, single submitter. Criteria: ACMG Guidelines, 2015. Collection method: clinical testing. Allele origin: unknown.

Literature cited by the submitters: PubMed 27476653 (cited by Labcorp Genetics (formerly Invitae), Labcorp); PubMed 37402566 (cited by Labcorp Genetics (formerly Invitae), Labcorp).

NM_002439.5(MSH3):c.2276_2277del (p.Ser759fs)

Gene: MSH3 (mutS homolog 3; plus strand). Cytogenetic location: 5q14.1.
Variant type: Microsatellite.
Coding change: c.2276_2277del on transcript NM_002439.5 (MANE Select); coding-DNA positions 2276 to 2277, 2 bases deleted (CT; older notation c.2276_2277delCT).
Protein change: p.Ser759fs; shifts the reading frame from serine 759.
Molecular consequence: frameshift variant.
Genome position (GRCh38, 1-based): chr5:80,775,716-80,775,717, CT deleted; deleting any 2 consecutive bases within chr5:80,775,714-80,775,717 gives the same sequence; the c. name uses the placement nearest the transcript's 3' end. VCF-style (leftmost placement, unchanged base first): chr5-80775713-ACT-A. GRCh37 (hg19) VCF-style: chr5-80071532-ACT-A.
Other names: short protein forms S759fs.
Identifiers: ClinVar variation 1071904 (VCV001071904.12), dbSNP rs1416092389, ClinGen allele CA814456024.
Genomic context (GRCh38, chr5:80,775,713, plus strand): 5'-GGTTACTTATCTAAATCTCTGTTTATTTGTATTTGTTTTAGTTTATGATAGAAATAAAGA[ACT>A]CTGCTGTATCTTGTATACCAACTGATTGGGTAAAGGTTGGAAGGTAGGTTTAAAATAAAT-3'